The following is an entry in ClinVar:

NM_024312.5(GNPTAB):c.2012A>G (p.Lys671Arg)

Gene: GNPTAB (N-acetylglucosamine-1-phosphate transferase subunits alpha and beta; minus strand). Cytogenetic location: 12q23.2.
Variant type: single nucleotide variant.
Coding change: c.2012A>G on transcript NM_024312.5 (MANE Select); coding-DNA position 2012, A replaced by G.
Protein change: p.Lys671Arg; replaces lysine 671 with arginine.
Molecular consequence: missense variant.
Genome position (GRCh38, 1-based): chr12:101,764,905, T>C on the plus strand (A>G on the coding strand, the complement: GNPTAB is on the minus strand). VCF-style: chr12-101764905-T-C. GRCh37 (hg19) VCF-style: chr12-102158683-T-C.
Other names: short protein forms K671R.
Identifiers: ClinVar variation 2189054 (VCV002189054.2), dbSNP rs145408865, ClinGen allele CA242456809.
Genomic context (GRCh38, chr12:101,764,905, plus strand): 5'-TCCTGGGCTCTCCTTGTTGAGTTAACATCATGTCTCTTAAACTTCGGGAAGCGTTTTTCT[T>C]TGGGAATATCCTCAAAAAGGATTTCCGCCTCTGGAAGAAGTGTTATGGGACTAACTAAAT-3'
Protein context (NP_077288.2, residues 661-681): EAEILFEDIP[Lys671Arg]EKRFPKFKRH

ClinVar aggregate classification (germline): Uncertain significance (1 of 4 stars; one submission).

Conditions:
Mucolipidosis type II. Also called: Mucolipidosis 2; ML 2; Inclusion cell disease; Leroy Disease; N-acetylglucosamine 1phosphotransferase deficiency; ML disorder type 2. Identifiers: Orphanet 576, MedGen C2673377, MONDO:0009650, OMIM 252500.
Pseudo-Hurler polydystrophy. Also called: ML IIIA; Mucolipidosis III Alpha/Beta; MUCOLIPIDOSIS IIIA; ML III; ML III ALPHA/BETA; Type III Mucolipidosis. Identifiers: Orphanet 423461, Orphanet 577, MedGen C0033788, MONDO:0018931, OMIM 252600.

Allele frequency attached by ClinVar (database versions not stated): gnomAD exomes below 0.00001.
gnomAD v4.1: 1 of 1,614,200 alleles (0.000062%); highest among the groups gnomAD compares: Admixed American, 0.0017%; no homozygotes.

Submission:

Labcorp Genetics (formerly Invitae), Labcorp
Classification: Uncertain significance for Pseudo-Hurler polydystrophy; Mucolipidosis type II. Last evaluated: 2025-06-22. Review status: criteria provided, single submitter. Criteria: Invitae Variant Classification Sherloc (09022015). Collection method: clinical testing. Allele origin: germline.
Comment: This sequence change replaces lysine, which is basic and polar, with arginine, which is basic and polar, at codon 671 of the GNPTAB protein (p.Lys671Arg). This variant is not present in population databases (gnomAD no frequency). This variant has not been reported in the literature in individuals affected with GNPTAB-related conditions. ClinVar contains an entry for this variant (Variation ID: 2189054). Invitae Evidence Modeling of protein sequence and biophysical properties (such as structural, functional, and spatial information, amino acid conservation, physicochemical variation, residue mobility, and thermodynamic stability) indicates that this missense variant is not expected to disrupt GNPTAB protein function with a negative predictive value of 80%. In summary, the available evidence is currently insufficient to determine the role of this variant in disease. Therefore, it has been classified as a Variant of Uncertain Significance.